The following is an entry in ClinVar:

ClinVar aggregate classification (germline): Uncertain significance (1 of 4 stars; one submission).

Submission:

ISCA site 4
Classification: Uncertain significance. Last evaluated: 2011-08-12. Review status: criteria provided, single submitter. Criteria: Kaminsky et al. (Genet Med. 2011). Collection method: clinical testing. Allele origin: unknown. Affected: yes. Observed: 1 variant allele.
Comment: Copy number variation identified through the course of routine clinical cytogenomic testing in postnatal populations. Clinical assertions have been curated as described in Kaminsky et al. 2011.

GRCh38/hg38 8p22(chr8:15814812-16351017)x3

Genes: MSR1 (macrophage scavenger receptor 1; minus strand), TUSC3 (tumor suppressor candidate 3; plus strand), LOC129389958 (MPRA-validated peak6918 silencer; plus strand). Cytogenetic location: 8p22.
Variant type: copy number gain.
Change: copy number 3 (three copies instead of two) of chr8:15,814,812-16,351,017 (536.2 kb, GRCh38 coordinates, 1-based), cytogenetic band 8p22.
Identifiers: ClinVar variation 160964 (VCV000160964.1).